The following is an entry in ClinVar:

ClinVar aggregate classification (germline): Uncertain significance. Review status: criteria provided, multiple submitters, no conflicts (2 of 4 stars). 2 submissions from 2 submitters: Uncertain significance (2). Last evaluated 2025-03-14.

Allele frequency attached by ClinVar (database versions not stated): ExAC 0.00001; gnomAD exomes 0.00001; gnomAD 0.00002; TOPMed 0.00003.
gnomAD v4.1: 13 of 1,608,736 alleles (0.00081%); highest among the groups gnomAD compares: African/African-American, 0.0053%; no homozygotes.

Submissions (2):

Ambry Genetics
Classification: Uncertain significance. Last evaluated: 2025-03-14. Review status: criteria provided, single submitter. Criteria: Ambry Variant Classification Scheme 2023. Collection method: clinical testing. Allele origin: germline.

Labcorp Genetics (formerly Invitae), Labcorp
Classification: Uncertain significance. Last evaluated: 2022-11-22. Review status: criteria provided, single submitter. Criteria: Invitae Variant Classification Sherloc (09022015). Collection method: clinical testing. Allele origin: germline.
Comment: Advanced modeling of protein sequence and biophysical properties (such as structural, functional, and spatial information, amino acid conservation, physicochemical variation, residue mobility, and thermodynamic stability) performed at Invitae indicates that this missense variant is not expected to disrupt LRRC56 protein function. This variant has not been reported in the literature in individuals affected with LRRC56-related conditions. The frequency data for this variant in the population databases is considered unreliable, as metrics indicate poor data quality at this position in the gnomAD database. This sequence change replaces arginine, which is basic and polar, with tryptophan, which is neutral and slightly polar, at codon 478 of the LRRC56 protein (p.Arg478Trp). In summary, the available evidence is currently insufficient to determine the role of this variant in disease. Therefore, it has been classified as a Variant of Uncertain Significance.

NM_198075.4(LRRC56):c.1432C>T (p.Arg478Trp)

Gene: LRRC56 (leucine rich repeat containing 56; plus strand). Cytogenetic location: 11p15.5.
Variant type: single nucleotide variant.
Coding change: c.1432C>T on transcript NM_198075.4 (MANE Select); coding-DNA position 1432, C replaced by T.
Protein change: p.Arg478Trp; replaces arginine 478 with tryptophan.
Molecular consequence: missense variant.
Genome position (GRCh38, 1-based): chr11:554,079, C>T. VCF-style: chr11-554079-C-T. GRCh37 (hg19) VCF-style: chr11-554079-C-T.
Other names: c.1432C>T (NM_198075.3); short protein forms R478W.
Identifiers: ClinVar variation 1918019 (VCV001918019.4), dbSNP rs754979280, ClinGen allele CA5780106.